The following is an entry in ClinVar:

ClinVar aggregate classification (germline): Likely benign. Review status: criteria provided, multiple submitters, no conflicts (2 of 4 stars). 2 submissions from 2 submitters: Likely benign (2). Last evaluated 2025-04-26.

Conditions:
Mowat-Wilson syndrome (MOWS). Also called: Classic Mowat-Wilson Syndrome. Identifiers: Orphanet 2152, MedGen C1856113, MONDO:0009341, OMIM 235730.

Allele frequency attached by ClinVar (database versions not stated): ExAC 0.00002; TOPMed 0.00002; gnomAD 0.00003.
gnomAD v4.1: 28 of 1,613,726 alleles (0.0017%); highest among the groups gnomAD compares: South Asian, 0.024%; 1 homozygote.

Submissions (2):

Labcorp Genetics (formerly Invitae), Labcorp
Classification: Likely benign for Mowat-Wilson syndrome. Last evaluated: 2025-04-26. Review status: criteria provided, single submitter. Criteria: Invitae Variant Classification Sherloc (09022015). Collection method: clinical testing. Allele origin: germline.

GeneDx
Classification: Likely benign. Last evaluated: 2015-12-30. Review status: criteria provided, single submitter. Criteria: GeneDx Variant Classification (06012015). Collection method: clinical testing. Allele origin: germline. Affected: yes.
Comment: This variant is considered likely benign or benign based on one or more of the following criteria: it is a conservative change, it occurs at a poorly conserved position in the protein, it is predicted to be benign by multiple in silico algorithms, and/or has population frequency not consistent with disease.

NM_014795.4(ZEB2):c.314C>A (p.Ala105Asp)

Gene: ZEB2 (zinc finger E-box binding homeobox 2; minus strand). Cytogenetic location: 2q22.3.
Variant type: single nucleotide variant.
Coding change: c.314C>A on transcript NM_014795.4 (MANE Select); coding-DNA position 314, C replaced by A.
Protein change: p.Ala105Asp; replaces alanine 105 with aspartic acid.
Molecular consequence: missense variant.
Genome position (GRCh38, 1-based): chr2:144,429,786, G>T on the plus strand (C>A on the coding strand, the complement: ZEB2 is on the minus strand). VCF-style: chr2-144429786-G-T. GRCh37 (hg19) VCF-style: chr2-145187353-G-T.
Other names: c.314C>A, p.Ala105Asp (NM_001171653.2); short protein forms A105D.
Identifiers: ClinVar variation 381118 (VCV000381118.5), dbSNP rs730881207, ClinGen allele CA1898569.
Genomic context (GRCh38, chr2:144,429,786, plus strand): 5'-TGAAGATGGTACAGGAAGAGGCCAAGTGATTTTAGACACTTACCTGGACCATCTACAGAG[G>T]CTTGTAGAATCTCGTTGTTGTGCCAGGGGTGTTCCACTCCACCCTCCCTTATTTCATCTT-3'
Protein context (NP_055610.1, residues 95-115): HPWHNNEILQ[Ala105Asp]SVDGPEEMKE